The following is an entry in ClinVar:

NM_017617.5(NOTCH1):c.7387G>A (p.Ala2463Thr)

Gene: NOTCH1 (notch receptor 1; minus strand). Cytogenetic location: 9q34.3.
Variant type: single nucleotide variant.
Coding change: c.7387G>A on transcript NM_017617.5 (MANE Select); coding-DNA position 7387, G replaced by A.
Protein change: p.Ala2463Thr; replaces alanine 2463 with threonine.
Molecular consequence: missense variant.
Genome position (GRCh38, 1-based): chr9:136,496,352, C>T on the plus strand (G>A on the coding strand, the complement: NOTCH1 is on the minus strand). VCF-style: chr9-136496352-C-T. GRCh37 (hg19) VCF-style: chr9-139390804-C-T.
Other names: c.7387G>A, p.Ala2463Thr (LRG_1122t1); c.7387G>A (NM_017617.4); short protein forms A2463T.
Identifiers: ClinVar variation 515780 (VCV000515780.22), dbSNP rs537210445, ClinGen allele CA5339681.

ClinVar aggregate classification (germline): Conflicting classifications of pathogenicity. Review status: criteria provided, conflicting classifications (1 of 4 stars). 6 submissions from 6 submitters: Uncertain significance (2); Likely benign (3). 1 of the submissions does not count toward it. Last evaluated 2025-12-02.

Conditions:
Familial thoracic aortic aneurysm and aortic dissection (TAAD). Also called: Thoracic aortic aneurysms and dissections. Identifiers: Orphanet 91387, MedGen C4707243, MONDO:0019625.
Aortic valve disease 1 (AOVD1). Identifiers: MedGen C3887892, MONDO:0024523, OMIM 109730.
Adams-Oliver syndrome 5 (AOS5). Identifiers: Orphanet 974, MedGen C4014970, MONDO:0014459, OMIM 616028.
NOTCH1-related disorder. Also called: NOTCH1-related condition; NOTCH1-related disorders.

Allele frequency attached by ClinVar (database versions not stated): gnomAD exomes 0.00014; ExAC 0.00016; gnomAD 0.00020 and 0.00021; TOPMed 0.00022; 1000 Genomes Project 30x 0.00031; 1000 Genomes Project 0.00040.

Submissions (6):

Labcorp Genetics (formerly Invitae), Labcorp
Classification: Likely benign for Adams-Oliver syndrome 5. Last evaluated: 2025-12-02. Review status: criteria provided, single submitter. Criteria: Invitae Variant Classification Sherloc (09022015). Collection method: clinical testing. Allele origin: germline.

Ambry Genetics
Classification: Uncertain significance for Familial thoracic aortic aneurysm and aortic dissection. Last evaluated: 2025-10-21. Review status: criteria provided, single submitter. Criteria: Ambry Variant Classification Scheme 2023. Collection method: clinical testing. Allele origin: germline.

ARUP Laboratories, Molecular Genetics and Genomics, ARUP Laboratories
Classification: Likely benign. Last evaluated: 2024-01-29. Review status: criteria provided, single submitter. Criteria: ARUP Molecular Germline Variant Investigation Process 2024. Collection method: clinical testing. Allele origin: germline.

GeneDx
Classification: Likely benign. Last evaluated: 2020-11-24. Review status: criteria provided, single submitter. Criteria: GeneDx Variant Classification Process June 2021. Collection method: clinical testing. Allele origin: germline. Affected: yes.

Baylor Genetics
Classification: Uncertain significance for Aortic valve disease 1. Last evaluated: 2018-05-30. Review status: criteria provided, single submitter. Criteria: ACMG Guidelines, 2015. Collection method: clinical testing. Allele origin: paternal. Affected: yes.
Comment: This variant was determined to be of uncertain significance according to ACMG Guidelines, 2015 [PMID:25741868].

PreventionGenetics, part of Exact Sciences
Classification: Likely benign for NOTCH1-related condition. Last evaluated: 2022-03-16. Review status: no assertion criteria provided. Collection method: clinical testing. Allele origin: germline. Not counted in ClinVar's aggregate classification.
Comment: This variant is classified as likely benign based on ACMG/AMP sequence variant interpretation guidelines (Richards et al. 2015 PMID: 25741868, with internal and published modifications).